The following is an entry in ClinVar:

NM_017563.5(IL17RD):c.1569G>C (p.Gln523His)

Genes: IL17RD (interleukin 17 receptor D; minus strand), LOC126806689 (BRD4-independent group 4 enhancer GRCh37_chr3:57131244-57132443; plus strand). Cytogenetic location: 3p14.3.
Variant type: single nucleotide variant.
Coding change: c.1569G>C on transcript NM_017563.5 (MANE Select); coding-DNA position 1569, G replaced by C.
Protein change: p.Gln523His; replaces glutamine 523 with histidine.
Molecular consequence: missense variant.
Genome position (GRCh38, 1-based): chr3:57,098,134, C>G on the plus strand (G>C on the coding strand, the complement: IL17RD is on the minus strand). VCF-style: chr3-57098134-C-G. GRCh37 (hg19) VCF-style: chr3-57132162-C-G.
Other names: c.1569G>C, p.Gln523His (NM_001080973.1); c.1137G>C, p.Gln379His (NM_001318864.2); c.1569G>C (NM_017563.3); short protein forms Q523H, Q379H.
Identifiers: ClinVar variation 2985203 (VCV002985203.4), dbSNP rs774208493, ClinGen allele CA2462705.

ClinVar aggregate classification (germline): Uncertain significance. Review status: criteria provided, multiple submitters, no conflicts (2 of 4 stars). 2 submissions from 2 submitters: Uncertain significance (2). Last evaluated 2024-03-18.

Allele frequency attached by ClinVar (database versions not stated): gnomAD exomes 0.00001; ExAC 0.00002; gnomAD 0.00002; TOPMed 0.00003.
gnomAD v4.1: 16 of 1,613,936 alleles (0.00099%); highest among the groups gnomAD compares: Admixed American, 0.017%; no homozygotes.

Submissions (2):

Ambry Genetics
Classification: Uncertain significance. Last evaluated: 2024-03-18. Review status: criteria provided, single submitter. Criteria: Ambry Variant Classification Scheme 2023. Collection method: clinical testing. Allele origin: germline.

Labcorp Genetics (formerly Invitae), Labcorp
Classification: Uncertain significance. Last evaluated: 2024-02-16. Review status: criteria provided, single submitter. Criteria: Invitae Variant Classification Sherloc (09022015). Collection method: clinical testing. Allele origin: germline.
Comment: This sequence change replaces glutamine, which is neutral and polar, with histidine, which is basic and polar, at codon 523 of the IL17RD protein (p.Gln523His). This variant is present in population databases (rs774208493, gnomAD 0.01%). This variant has not been reported in the literature in individuals affected with IL17RD-related conditions. Advanced modeling of protein sequence and biophysical properties (such as structural, functional, and spatial information, amino acid conservation, physicochemical variation, residue mobility, and thermodynamic stability) performed at Invitae indicates that this missense variant is not expected to disrupt IL17RD protein function with a negative predictive value of 80%. In summary, the available evidence is currently insufficient to determine the role of this variant in disease. Therefore, it has been classified as a Variant of Uncertain Significance.